The following is an entry in ClinVar:

NM_172364.5(CACNA2D4):c.2365G>A (p.Glu789Lys)

Gene: CACNA2D4 (calcium voltage-gated channel auxiliary subunit alpha2delta 4; minus strand). Cytogenetic location: 12p13.33.
Variant type: single nucleotide variant.
Coding change: c.2365G>A on transcript NM_172364.5 (MANE Select); coding-DNA position 2365, G replaced by A.
Protein change: p.Glu789Lys; replaces glutamic acid 789 with lysine.
Molecular consequence: missense variant.
Genome position (GRCh38, 1-based): chr12:1,844,507, C>T on the plus strand (G>A on the coding strand, the complement: CACNA2D4 is on the minus strand). VCF-style: chr12-1844507-C-T. GRCh37 (hg19) VCF-style: chr12-1953673-C-T.
Other names: short protein forms E789K.
Identifiers: ClinVar variation 860630 (VCV000860630.9), dbSNP rs199886801, ClinGen allele CA6386720.

ClinVar aggregate classification (germline): Uncertain significance. Review status: criteria provided, multiple submitters, no conflicts (2 of 4 stars). 2 submissions from 2 submitters: Uncertain significance (2). Last evaluated 2025-01-16.

Conditions:
Inborn genetic diseases. Identifiers: MedGen C0950123, MeSH D030342.

Allele frequency attached by ClinVar (database versions not stated): gnomAD exomes 0.00003 and 0.00007; ExAC 0.00013; TOPMed 0.00013; 1000 Genomes Project 30x 0.00016; 1000 Genomes Project 0.00020; ESP Exome Variant Server 0.00024.
gnomAD v4.1: 70 of 1,613,182 alleles (0.0043%); highest among the groups gnomAD compares: African/African-American, 0.037%; no homozygotes.

Submissions (2):

Ambry Genetics
Classification: Uncertain significance for Inborn genetic diseases. Last evaluated: 2025-01-16. Review status: criteria provided, single submitter. Criteria: Ambry Variant Classification Scheme 2023. Collection method: clinical testing. Allele origin: germline.

Labcorp Genetics (formerly Invitae), Labcorp
Classification: Uncertain significance. Last evaluated: 2024-10-21. Review status: criteria provided, single submitter. Criteria: Invitae Variant Classification Sherloc (09022015). Collection method: clinical testing. Allele origin: germline.
Comment: This sequence change replaces glutamic acid, which is acidic and polar, with lysine, which is basic and polar, at codon 789 of the CACNA2D4 protein (p.Glu789Lys). This variant is present in population databases (rs199886801, gnomAD 0.04%). This variant has not been reported in the literature in individuals affected with CACNA2D4-related conditions. ClinVar contains an entry for this variant (Variation ID: 860630). An algorithm developed to predict the effect of missense changes on protein structure and function outputs the following: PolyPhen-2: "Benign". The lysine amino acid residue is found in multiple mammalian species, which suggests that this missense change does not adversely affect protein function. In summary, the available evidence is currently insufficient to determine the role of this variant in disease. Therefore, it has been classified as a Variant of Uncertain Significance.